The following is an entry in ClinVar:

ClinVar aggregate classification (germline): Uncertain significance (1 of 4 stars; one submission).

Allele frequency attached by ClinVar (database versions not stated): gnomAD 0.00002; TOPMed 0.00003; gnomAD exomes 0.00001; ExAC 0.00002.
gnomAD v4.1: 14 of 1,603,050 alleles (0.00087%); highest among the groups gnomAD compares: African/African-American, 0.0067%; no homozygotes.

Submission:

Labcorp Genetics (formerly Invitae), Labcorp
Classification: Uncertain significance. Last evaluated: 2023-08-10. Review status: criteria provided, single submitter. Criteria: Invitae Variant Classification Sherloc (09022015). Collection method: clinical testing. Allele origin: germline.
Comment: In summary, the available evidence is currently insufficient to determine the role of this variant in disease. Therefore, it has been classified as a Variant of Uncertain Significance. Advanced modeling of protein sequence and biophysical properties (such as structural, functional, and spatial information, amino acid conservation, physicochemical variation, residue mobility, and thermodynamic stability) performed at Invitae indicates that this missense variant is expected to disrupt HERC1 protein function. ClinVar contains an entry for this variant (Variation ID: 2037527). This variant has not been reported in the literature in individuals affected with HERC1-related conditions. This variant is present in population databases (rs765913729, gnomAD 0.02%). This sequence change replaces asparagine, which is neutral and polar, with aspartic acid, which is acidic and polar, at codon 3331 of the HERC1 protein (p.Asn3331Asp).

NM_003922.4(HERC1):c.9991A>G (p.Asn3331Asp)

Gene: HERC1 (HECT and RLD domain containing E3 ubiquitin protein ligase family member 1; minus strand). Cytogenetic location: 15q22.31.
Variant type: single nucleotide variant.
Coding change: c.9991A>G on transcript NM_003922.4 (MANE Select); coding-DNA position 9991, A replaced by G.
Protein change: p.Asn3331Asp; replaces asparagine 3331 with aspartic acid.
Molecular consequence: missense variant.
Genome position (GRCh38, 1-based): chr15:63,655,835, T>C on the plus strand (A>G on the coding strand, the complement: HERC1 is on the minus strand). VCF-style: chr15-63655835-T-C. GRCh37 (hg19) VCF-style: chr15-63948034-T-C.
Other names: short protein forms N3331D.
Identifiers: ClinVar variation 2037527 (VCV002037527.4), dbSNP rs765913729, ClinGen allele CA7604582.